The following is an entry in ClinVar:

NM_001348323.3(TRIP12):c.952A>G (p.Lys318Glu)

Gene: TRIP12 (thyroid hormone receptor interactor 12; minus strand). Cytogenetic location: 2q36.3.
Variant type: single nucleotide variant.
Coding change: c.952A>G on transcript NM_001348323.3 (MANE Select); coding-DNA position 952, A replaced by G.
Protein change: p.Lys318Glu; replaces lysine 318 with glutamic acid.
Molecular consequence: missense variant. On other transcripts: intron variant (3).
Genome position (GRCh38, 1-based): chr2:229,858,847, T>C on the plus strand (A>G on the coding strand, the complement: TRIP12 is on the minus strand). VCF-style: chr2-229858847-T-C. GRCh37 (hg19) VCF-style: chr2-230723563-T-C.
Other names: c.952A>G, p.Lys318Glu (NM_001284214.2, NM_001348315.2, NM_001348319.1 and 13 more transcripts); c.826A>G, p.Lys276Glu (NM_001284215.2, NM_001348316.2, NM_001348317.1 and 3 more transcripts); c.98+21135A>G (NM_001284216.2); c.881-16A>G (NM_001348332.1, NM_001348334.1); short protein forms K276E, K318E.
Identifiers: ClinVar variation 2604532 (VCV002604532.2), dbSNP rs2475897564, ClinGen allele CA350894038.

ClinVar aggregate classification (germline): Uncertain significance (1 of 4 stars; one submission).

Conditions:
Inborn genetic diseases. Identifiers: MedGen C0950123, MeSH D030342.

Submission:

Ambry Genetics
Classification: Uncertain significance for Inborn genetic diseases. Last evaluated: 2023-07-24. Review status: criteria provided, single submitter. Criteria: Ambry Variant Classification Scheme 2023. Collection method: clinical testing. Allele origin: germline.
Comment: The c.826A>G (p.K276E) alteration is located in coding exon 2 of the TRIP12 gene. This alteration results from a A to G substitution at nucleotide position 826, causing the lysine (K) at amino acid position 276 to be replaced by a glutamic acid (E). This variant was not reported in population-based cohorts in the Genome Aggregation Database (gnomAD). This amino acid position is highly conserved in available vertebrate species. This alteration is predicted to be tolerated by in silico analysis. Based on insufficient or conflicting evidence, the clinical significance of this alteration remains unclear.